The following is an entry in ClinVar:

ClinVar aggregate classification (germline): Conflicting classifications of pathogenicity. Review status: criteria provided, conflicting classifications (1 of 4 stars). 3 submissions from 3 submitters: Uncertain significance (1); Benign (1); Likely benign (1). Last evaluated 2025-12-01.

Conditions:
Inborn genetic diseases. Identifiers: MedGen C0950123, MeSH D030342.
Kleefstra syndrome 1 (KLEFS1). Identifiers: Orphanet 261494, MedGen C0795833, MONDO:0027407, OMIM 610253.

Allele frequency attached by ClinVar (database versions not stated): gnomAD exomes 0.00008; ExAC 0.00009; 1000 Genomes Project 30x 0.00016; 1000 Genomes Project 0.00020.
gnomAD v4.1: 76 of 1,613,252 alleles (0.0047%); highest among the groups gnomAD compares: South Asian, 0.059%; no homozygotes.

Submissions (3):

CeGaT Center for Human Genetics Tuebingen
Classification: Likely benign. Last evaluated: 2025-12-01. Review status: criteria provided, single submitter. Criteria: CeGaT Center For Human Genetics Tuebingen Variant Classification Criteria Version 2. Collection method: clinical testing. Allele origin: germline. Affected: yes. Observed: 1 variant allele.
Comment: EHMT1: BP4, BS2

Labcorp Genetics (formerly Invitae), Labcorp
Classification: Benign for Kleefstra syndrome 1. Last evaluated: 2025-03-14. Review status: criteria provided, single submitter. Criteria: Invitae Variant Classification Sherloc (09022015). Collection method: clinical testing. Allele origin: germline.

Ambry Genetics
Classification: Uncertain significance for Inborn genetic diseases. Last evaluated: 2016-08-15. Review status: criteria provided, single submitter. Criteria: Ambry Variant Classification Scheme 2023. Collection method: clinical testing. Allele origin: germline.
Comment: The p.R90W variant (also known as c.268C>T), located in coding exon 3 of the EHMT1 gene, results from a C to T substitution at nucleotide position 268. The arginine at codon 90 is replaced by tryptophan, an amino acid with dissimilar properties. This variant was not reported in population based cohorts in the following databases: Database of Single Nucleotide Polymorphisms (dbSNP), NHLBI Exome Sequencing Project (ESP), and 1000 Genomes Project. In the ESP, this variant was not observed in 6503 samples (13006 alleles) with coverage at this position. This amino acid position is highly conserved in available vertebrate species. In addition, the in silico prediction for this alteration is inconclusive. Since supporting evidence is limited at this time, the clinical significance of this alteration remains unclear.

NM_024757.5(EHMT1):c.268C>T (p.Arg90Trp)

Gene: EHMT1 (euchromatic histone lysine methyltransferase 1; plus strand). Cytogenetic location: 9q34.3.
Variant type: single nucleotide variant.
Coding change: c.268C>T on transcript NM_024757.5 (MANE Select); coding-DNA position 268, C replaced by T.
Protein change: p.Arg90Trp; replaces arginine 90 with tryptophan.
Molecular consequence: missense variant.
Genome position (GRCh38, 1-based): chr9:137,716,808, C>T. VCF-style: chr9-137716808-C-T. GRCh37 (hg19) VCF-style: chr9-140611260-C-T.
Other names: c.268C>T, p.Arg90Trp (NM_001145527.2, NM_001354263.2, NM_001354611.2); c.175C>T, p.Arg59Trp (NM_001354259.2, NM_001354612.2); short protein forms R90W, R59W.
Identifiers: ClinVar variation 582483 (VCV000582483.21), dbSNP rs568424578, ClinGen allele CA5374251.